The following is an entry in ClinVar:

NM_019851.3(FGF20):c.546G>C (p.Lys182Asn)

Gene: FGF20 (fibroblast growth factor 20; minus strand). Cytogenetic location: 8p22.
Variant type: single nucleotide variant.
Coding change: c.546G>C on transcript NM_019851.3 (MANE Select); coding-DNA position 546, G replaced by C.
Protein change: p.Lys182Asn; replaces lysine 182 with asparagine.
Molecular consequence: missense variant.
Genome position (GRCh38, 1-based): chr8:16,993,162, C>G on the plus strand (G>C on the coding strand, the complement: FGF20 is on the minus strand). VCF-style: chr8-16993162-C-G. GRCh37 (hg19) VCF-style: chr8-16850671-C-G.
Other names: c.546G>C (NM_019851.2); short protein forms K182N.
Identifiers: ClinVar variation 2869849 (VCV002869849.4), dbSNP rs1809955799, ClinGen allele CA370394344.

ClinVar aggregate classification (germline): Uncertain significance. Review status: criteria provided, multiple submitters, no conflicts (2 of 4 stars). 2 submissions from 2 submitters: Uncertain significance (2). Last evaluated 2025-09-11.

Allele frequency attached by ClinVar (database versions not stated): gnomAD 0.00001.
gnomAD v4.1: 1 of 1,613,942 alleles (0.000062%); highest among the groups gnomAD compares: Admixed American, 0.0017%; no homozygotes.

Submissions (2):

Ambry Genetics
Classification: Uncertain significance. Last evaluated: 2025-09-11. Review status: criteria provided, single submitter. Criteria: Ambry Variant Classification Scheme 2023. Collection method: clinical testing. Allele origin: germline.

Labcorp Genetics (formerly Invitae), Labcorp
Classification: Uncertain significance. Last evaluated: 2023-08-10. Review status: criteria provided, single submitter. Criteria: Invitae Variant Classification Sherloc (09022015). Collection method: clinical testing. Allele origin: germline.
Comment: In summary, the available evidence is currently insufficient to determine the role of this variant in disease. Therefore, it has been classified as a Variant of Uncertain Significance. An algorithm developed to predict the effect of missense changes on protein structure and function (PolyPhen-2) suggests that this variant is likely to be disruptive. This sequence change replaces lysine, which is basic and polar, with asparagine, which is neutral and polar, at codon 182 of the FGF20 protein (p.Lys182Asn). This variant is not present in population databases (gnomAD no frequency). This variant has not been reported in the literature in individuals affected with FGF20-related conditions.